The following is an entry in ClinVar:

NM_020699.4(GATAD2B):c.1604A>G (p.Gln535Arg)

Gene: GATAD2B (GATA zinc finger domain containing 2B; minus strand). Cytogenetic location: 1q21.3.
Variant type: single nucleotide variant.
Coding change: c.1604A>G on transcript NM_020699.4 (MANE Select); coding-DNA position 1604, A replaced by G.
Protein change: p.Gln535Arg; replaces glutamine 535 with arginine.
Molecular consequence: missense variant.
Genome position (GRCh38, 1-based): chr1:153,811,775, T>C on the plus strand (A>G on the coding strand, the complement: GATAD2B is on the minus strand). VCF-style: chr1-153811775-T-C. GRCh37 (hg19) VCF-style: chr1-153784251-T-C.
Other names: short protein forms Q535R.
Identifiers: ClinVar variation 3673650 (VCV003673650.2).

ClinVar aggregate classification (germline): Uncertain significance (1 of 4 stars; one submission).

Submission:

Labcorp Genetics (formerly Invitae), Labcorp
Classification: Uncertain significance. Last evaluated: 2025-08-15. Review status: criteria provided, single submitter. Criteria: Invitae Variant Classification Sherloc (09022015). Collection method: clinical testing. Allele origin: germline.
Comment: This sequence change replaces glutamine, which is neutral and polar, with arginine, which is basic and polar, at codon 535 of the GATAD2B protein (p.Gln535Arg). This variant is not present in population databases (gnomAD no frequency). This variant has not been reported in the literature in individuals affected with GATAD2B-related conditions. ClinVar contains an entry for this variant (Variation ID: 3673650). Invitae Evidence Modeling of protein sequence and biophysical properties (such as structural, functional, and spatial information, amino acid conservation, physicochemical variation, residue mobility, and thermodynamic stability) indicates that this missense variant is expected to disrupt GATAD2B protein function with a positive predictive value of 80%. In summary, the available evidence is currently insufficient to determine the role of this variant in disease. Therefore, it has been classified as a Variant of Uncertain Significance.